The following is an entry in ClinVar:

ClinVar aggregate classification (germline): Likely benign (1 of 4 stars; one submission).

Allele frequency attached by ClinVar (database versions not stated): TOPMed 0.00002; ExAC 0.00006; gnomAD 0.00006; 1000 Genomes Project 0.00060; 1000 Genomes Project 30x 0.00078.
gnomAD v4.1: 30 of 1,480,902 alleles (0.002%); highest among the groups gnomAD compares: East Asian, 0.064%; no homozygotes.

Submissions (2):

CeGaT Center for Human Genetics Tuebingen
Classification: Likely benign. Last evaluated: 2023-01-01. Review status: criteria provided, single submitter. Criteria: CeGaT Center For Human Genetics Tuebingen Variant Classification Criteria Version 2. Collection method: clinical testing. Allele origin: germline. Affected: yes. Observed: 1 variant allele.
Comment: NUP107: BP4

Dr. Peter K. Rogan Lab, Western University
No classification provided (evidence only). Condition: Cervical cancer. Review status: no classification provided. Collection method: in vitro. Allele origin: not applicable. Functional consequence: skipped exon, retained intron. Not counted in ClinVar's aggregate classification.

NM_020401.4(NUP107):c.1507-3C>T

Gene: NUP107 (nucleoporin 107; plus strand). Cytogenetic location: 12q15.
Variant type: single nucleotide variant.
Coding change: c.1507-3C>T on transcript NM_020401.4 (MANE Select); 3 bases into the intron before coding-DNA position 1507, C replaced by T.
Molecular consequence: intron variant.
Genome position (GRCh38, 1-based): chr12:68,725,724, C>T. VCF-style: chr12-68725724-C-T. GRCh37 (hg19) VCF-style: chr12-69119504-C-T.
Other names: NC_000012.11:g.69119504C>T; c.1420-3C>T (NM_001330192.2).
Identifiers: ClinVar variation 2643169 (VCV002643169.25), dbSNP rs200415130, ClinGen allele CA6677808.